The following is an entry in ClinVar:

NM_017780.4(CHD7):c.4533G>A (p.Lys1511=)

Gene: CHD7 (chromodomain helicase DNA binding protein 7; plus strand). Cytogenetic location: 8q12.2.
Variant type: single nucleotide variant.
Coding change: c.4533G>A on transcript NM_017780.4 (MANE Select); coding-DNA position 4533, G replaced by A.
Protein change: p.Lys1511=; no amino-acid change (lysine 1511 retained).
Molecular consequence: synonymous variant. On other transcripts: intron variant (1).
Genome position (GRCh38, 1-based): chr8:60,838,255, G>A. VCF-style: chr8-60838255-G-A. GRCh37 (hg19) VCF-style: chr8-61750814-G-A.
Other names: c.4533G>A (LRG_176t1); c.1717-23974G>A (NM_001316690.1).
Identifiers: ClinVar variation 418125 (VCV000418125.3), dbSNP rs1064793084, ClinGen allele CA16618671.

ClinVar aggregate classification (germline): Conflicting classifications of pathogenicity. Review status: criteria provided, conflicting classifications (1 of 4 stars). 2 submissions from 2 submitters: Likely pathogenic (1); Uncertain significance (1). Last evaluated 2022-07-17.

Submissions (2):

Blueprint Genetics
Classification: Uncertain significance. Last evaluated: 2022-07-17. Review status: criteria provided, single submitter. Criteria: ACMG Guidelines, 2015. Collection method: clinical testing. Allele origin: germline.

GeneDx
Classification: Likely pathogenic. Last evaluated: 2016-12-07. Review status: criteria provided, single submitter. Criteria: GeneDx Variant Classification (06012015). Collection method: clinical testing. Allele origin: germline. Affected: yes.
Comment: The c.4533 G>A variant has not been published as a pathogenic variant, nor has it been reported as a benign polymorphism to our knowledge. The c.4533 G>A variant was not observed in approximately 6,000 individuals of European and African American ancestry in the NHLBI Exome Sequencing Project, indicating it is not a common benign variant in these populations. In-silico splice prediction models predict that c.4533 G>A destroys the natural splice donor site which may lead to abnormal gene splicing. However, in the absence of RNA/functional studies, the actual effect of this sequence change in this individual is unknown. Based on the currently available information, this variant is likely pathogenic.